The following is an entry in ClinVar:

ClinVar aggregate classification (germline): Pathogenic (1 of 4 stars; one submission).

Submission:

GeneDx
Classification: Pathogenic. Last evaluated: 2018-12-21. Review status: criteria provided, single submitter. Criteria: GeneDx Variant Classification (06012015). Collection method: clinical testing. Allele origin: germline. Affected: yes.
Comment: The c.163delG variant in the SATB2 gene has not been reported previously as a pathogenic variant nor as a benign variant, to our knowledge. The c.163delG variant causes a frameshift starting with codon Valine 55, changes this amino acid to a Tryptophan residue, and creates a premature Stop codon at position 4 of the new reading frame, denoted p.Val55TrpfsX4. Frameshift variant predicted to result in protein truncation or nonsense mediated decay in a gene for which loss-of-function is a known mechanism of disease. The c.163delG variant is not observed in large population cohorts (Lek et al., 2016). We interpret c.163delG as a pathogenic variant.

NM_001172509.2(SATB2):c.163del (p.Val55fs)

Gene: SATB2 (SATB homeobox 2; minus strand). Cytogenetic location: 2q33.1.
Variant type: Deletion.
Coding change: c.163del on transcript NM_001172509.2 (MANE Select); coding-DNA position 163, one base deleted (G; older notation c.163delG).
Protein change: p.Val55fs; shifts the reading frame from valine 55.
Molecular consequence: frameshift variant. On other transcripts: non-coding transcript variant (1).
Genome position (GRCh38, 1-based): chr2:199,455,875, C deleted on the plus strand (G on the coding strand, the reverse complement: SATB2 is on the minus strand). VCF-style (leftmost placement, unchanged base first): chr2-199455874-AC-A. GRCh37 (hg19) VCF-style: chr2-200320597-AC-A.
Other names: c.163del, p.Val55fs (NM_001172517.1, NM_015265.4); short protein forms V55fs.
Identifiers: ClinVar variation 817354 (VCV000817354.1), dbSNP rs1574645299, ClinGen allele CA915942370.